The following is an entry in ClinVar:

ClinVar aggregate classification (germline): Uncertain significance. Review status: criteria provided, multiple submitters, no conflicts (2 of 4 stars). 3 submissions from 3 submitters: Uncertain significance (3). Last evaluated 2024-05-24.

Allele frequency attached by ClinVar (database versions not stated): gnomAD exomes below 0.00001.
gnomAD v4.1: 1 of 1,614,030 alleles (0.000062%); no homozygotes.

Submissions (3):

GeneDx
Classification: Uncertain significance. Last evaluated: 2024-05-24. Review status: criteria provided, single submitter. Criteria: GeneDx Variant Classification Process June 2021. Collection method: clinical testing. Allele origin: germline. Affected: yes.
Comment: Not observed at significant frequency in large population cohorts (gnomAD); In silico analysis supports that this missense variant has a deleterious effect on protein structure/function; Has not been previously published as pathogenic or benign to our knowledge

Labcorp Genetics (formerly Invitae), Labcorp
Classification: Uncertain significance. Last evaluated: 2023-10-13. Review status: criteria provided, single submitter. Criteria: Invitae Variant Classification Sherloc (09022015). Collection method: clinical testing. Allele origin: germline.
Comment: This sequence change replaces arginine, which is basic and polar, with tryptophan, which is neutral and slightly polar, at codon 279 of the RORB protein (p.Arg279Trp). This variant is not present in population databases (gnomAD no frequency). This variant has not been reported in the literature in individuals affected with RORB-related conditions. ClinVar contains an entry for this variant (Variation ID: 1013334). An algorithm developed to predict the effect of missense changes on protein structure and function (PolyPhen-2) suggests that this variant is likely to be disruptive. In summary, the available evidence is currently insufficient to determine the role of this variant in disease. Therefore, it has been classified as a Variant of Uncertain Significance.

CeGaT Center for Human Genetics Tuebingen
Classification: Uncertain significance. Last evaluated: 2020-12-01. Review status: criteria provided, single submitter. Criteria: CeGaT Center For Human Genetics Tuebingen Variant Classification Criteria Version 2. Collection method: clinical testing. Allele origin: germline. Affected: yes. Observed: 1 variant allele.

NM_006914.4(RORB):c.835C>T (p.Arg279Trp)

Gene: RORB (RAR related orphan receptor B; plus strand). Cytogenetic location: 9q21.13.
Variant type: single nucleotide variant.
Coding change: c.835C>T on transcript NM_006914.4 (MANE Select); coding-DNA position 835, C replaced by T.
Protein change: p.Arg279Trp; replaces arginine 279 with tryptophan.
Molecular consequence: missense variant.
Genome position (GRCh38, 1-based): chr9:74,662,549, C>T. VCF-style: chr9-74662549-C-T. GRCh37 (hg19) VCF-style: chr9-77277465-C-T.
Other names: c.868C>T, p.Arg290Trp (NM_001365023.1); c.835C>T (NM_006914.3); short protein forms R279W, R290W.
Identifiers: ClinVar variation 1013334 (VCV001013334.43), dbSNP rs1824205692, ClinGen allele CA373770821.